The following is an entry in ClinVar:

ClinVar aggregate classification (germline): Uncertain significance (1 of 4 stars; one submission).

Conditions:
Dyskeratosis congenita, autosomal dominant 1 (DKCA1). Also called: Dyskeratosis congenita Scoggins type. Identifiers: Orphanet 1775, MedGen C4551974, MONDO:0007485, OMIM 127550. Inheritance: Variable.

Submission:

Labcorp Genetics (formerly Invitae), Labcorp
Classification: Uncertain significance for Dyskeratosis congenita, autosomal dominant 1. Last evaluated: 2025-06-16. Review status: criteria provided, single submitter. Criteria: Invitae Variant Classification Sherloc (09022015). Collection method: clinical testing. Allele origin: germline.
Comment: This variant occurs in the TERC gene, which encodes an RNA molecule that does not result in a protein product. This variant is not present in population databases (gnomAD no frequency). This variant has not been reported in the literature in individuals affected with TERC-related conditions. This variant is located within the conserved regions 4 and 5 (CR4-CR5) domain of the TERC RNA component, which is required for telomerase activity (PMID: 15082312, 21844345). In summary, the available evidence is currently insufficient to determine the role of this variant in disease. Therefore, it has been classified as a Variant of Uncertain Significance.

Literature cited by the submitters: PubMed 15082312; PubMed 21844345.

NR_001566.3(TERC):n.314T>C

Genes: TERC (telomerase RNA component; minus strand), LOC110806306 (telomerase RNA component (TERC) promoter; plus strand). Cytogenetic location: 3q26.2.
Variant type: single nucleotide variant.
Molecular consequence: non-coding transcript variant (on NR_001566.3).
Genome position: GRCh38 VCF-style: chr3-169764747-A-G. GRCh37 (hg19) VCF-style: chr3-169482535-A-G.
Identifiers: ClinVar variation 4715521 (VCV004715521.1).